The following is an entry in ClinVar:

ClinVar aggregate classification (germline): Likely benign (1 of 4 stars; one submission).

Submission:

CeGaT Center for Human Genetics Tuebingen
Classification: Likely benign. Last evaluated: 2025-12-01. Review status: criteria provided, single submitter. Criteria: CeGaT Center For Human Genetics Tuebingen Variant Classification Criteria Version 2. Collection method: clinical testing. Allele origin: germline. Affected: yes. Observed: 1 variant allele.
Comment: CHD8: PM2:Supporting, BP4, BP7

NM_001170629.2(CHD8):c.4125A>G (p.Gln1375=)

Gene: CHD8 (chromodomain helicase DNA binding protein 8; minus strand). Cytogenetic location: 14q11.2.
Variant type: single nucleotide variant.
Coding change: c.4125A>G on transcript NM_001170629.2 (MANE Select); coding-DNA position 4125, A replaced by G.
Protein change: p.Gln1375=; no amino-acid change (glutamine 1375 retained).
Molecular consequence: synonymous variant.
Genome position (GRCh38, 1-based): chr14:21,401,451, T>C on the plus strand (A>G on the coding strand, the complement: CHD8 is on the minus strand). VCF-style: chr14-21401451-T-C. GRCh37 (hg19) VCF-style: chr14-21869610-T-C.
Other names: c.3288A>G, p.Gln1096= (NM_020920.4).
Identifiers: ClinVar variation 4681790 (VCV004681790.5).